The following is an entry in ClinVar:

NM_006736.6(DNAJB2):c.345G>C (p.Glu115Asp)

Gene: DNAJB2 (DnaJ heat shock protein family (Hsp40) member B2; plus strand). Cytogenetic location: 2q35.
Variant type: single nucleotide variant.
Coding change: c.345G>C on transcript NM_006736.6 (MANE Select); coding-DNA position 345, G replaced by C.
Protein change: p.Glu115Asp; replaces glutamic acid 115 with aspartic acid.
Molecular consequence: missense variant.
Genome position (GRCh38, 1-based): chr2:219,282,054, G>C. VCF-style: chr2-219282054-G-C. GRCh37 (hg19) VCF-style: chr2-220146776-G-C.
Other names: c.345G>C, p.Glu115Asp (NM_001039550.2); short protein forms E115D.
Identifiers: ClinVar variation 834549 (VCV000834549.10), dbSNP rs541289584, ClinGen allele CA350648370.
Genomic context (GRCh38, chr2:219,282,054, plus strand): 5'-CTTCCGCAGCCCCGAGGAGGTCTTCCGGGAATTCTTTGGGAGTGGAGACCCTTTTGCAGA[G>C]CTCTTTGGTGAGTGGACTCTGGAAGCCTCTGAATGGCTCAACTTCCCCCTCCAGGCCTGT-3'
Protein context (NP_006727.2, residues 105-125): EFFGSGDPFA[Glu115Asp]LFDDLGPFSE

ClinVar aggregate classification (germline): Uncertain significance (1 of 4 stars; one submission).

Conditions:
Neuronopathy, distal hereditary motor, autosomal recessive 5. Also called: Young adult-onset distal hereditary motor neuropathy; NEUROPATHY, DISTAL HEREDITARY MOTOR, AUTOSOMAL RECESSIVE 5; Spinal muscular atrophy, distal, autosomal recessive, 5. Identifiers: Orphanet 314485, Orphanet 443950, MedGen C4749918, MONDO:0013947, OMIM 614881.

Allele frequency attached by ClinVar (database versions not stated): gnomAD exomes below 0.00001; TOPMed 0.00002; gnomAD 0.00001.
gnomAD v4.1: 13 of 1,614,026 alleles (0.00081%); highest among the groups gnomAD compares: African/African-American, 0.0013%; no homozygotes.

Submission:

Labcorp Genetics (formerly Invitae), Labcorp
Classification: Uncertain significance for Neuronopathy, distal hereditary motor, autosomal recessive 5. Last evaluated: 2019-02-19. Review status: criteria provided, single submitter. Criteria: Invitae Variant Classification Sherloc (09022015). Collection method: clinical testing. Allele origin: germline.
Comment: In summary, the available evidence is currently insufficient to determine the role of this variant in disease. Therefore, it has been classified as a Variant of Uncertain Significance. Algorithms developed to predict the effect of missense changes on protein structure and function output the following: SIFT: "Tolerated"; PolyPhen-2: "Benign"; Align-GVGD: "Class C0". The aspartic acid amino acid residue is found in multiple mammalian species, suggesting that this missense change does not adversely affect protein function. These predictions have not been confirmed by published functional studies and their clinical significance is uncertain. This variant has not been reported in the literature in individuals with DNAJB2-related conditions. This variant is not present in population databases (ExAC no frequency). This sequence change replaces glutamic acid with aspartic acid at codon 115 of the DNAJB2 protein (p.Glu115Asp). The glutamic acid residue is weakly conserved and there is a small physicochemical difference between glutamic acid and aspartic acid.